The following is an entry in ClinVar:

NM_018124.4(RFWD3):c.1616G>T (p.Gly539Val)

Gene: RFWD3 (ring finger and WD repeat domain 3; minus strand). Cytogenetic location: 16q23.1.
Variant type: single nucleotide variant.
Coding change: c.1616G>T on transcript NM_018124.4 (MANE Select); coding-DNA position 1616, G replaced by T.
Protein change: p.Gly539Val; replaces glycine 539 with valine.
Molecular consequence: missense variant. On other transcripts: intron variant (1).
Genome position (GRCh38, 1-based): chr16:74,630,919, C>A on the plus strand (G>T on the coding strand, the complement: RFWD3 is on the minus strand). VCF-style: chr16-74630919-C-A. GRCh37 (hg19) VCF-style: chr16-74664817-C-A.
Other names: c.1616G>T, p.Gly539Val (NM_001370534.1, NM_001370535.1); c.782G>T, p.Gly261Val (NM_001370537.1, NM_001370539.1, NM_001370540.1 and 3 more transcripts); c.1577+1604G>T (NM_001370536.1); short protein forms G261V, G539V.
Identifiers: ClinVar variation 2779215 (VCV002779215.3), dbSNP rs1959075105, ClinGen allele CA396760403.

ClinVar aggregate classification (germline): Uncertain significance (1 of 4 stars; one submission).

Allele frequency attached by ClinVar (database versions not stated): gnomAD exomes below 0.00001.
gnomAD v4.1: 2 of 1,613,878 alleles (0.00012%); highest among the groups gnomAD compares: East Asian, 0.0022%; no homozygotes.

Submission:

Labcorp Genetics (formerly Invitae), Labcorp
Classification: Uncertain significance. Last evaluated: 2025-02-13. Review status: criteria provided, single submitter. Criteria: Invitae Variant Classification Sherloc (09022015). Collection method: clinical testing. Allele origin: germline.
Comment: This sequence change replaces glycine, which is neutral and non-polar, with valine, which is neutral and non-polar, at codon 539 of the RFWD3 protein (p.Gly539Val). This variant is not present in population databases (gnomAD no frequency). This variant has not been reported in the literature in individuals affected with RFWD3-related conditions. ClinVar contains an entry for this variant (Variation ID: 2779215). An algorithm developed to predict the effect of missense changes on protein structure and function (PolyPhen-2) suggests that this variant is likely to be disruptive. In summary, the available evidence is currently insufficient to determine the role of this variant in disease. Therefore, it has been classified as a Variant of Uncertain Significance.